The following is an entry in ClinVar:

ClinVar aggregate classification (germline): Uncertain significance. Review status: criteria provided, multiple submitters, no conflicts (2 of 4 stars). 2 submissions from 2 submitters: Uncertain significance (2). Last evaluated 2025-08-01.

Conditions:
Werner syndrome (WRN). Identifiers: Orphanet 902, MedGen C0043119, MONDO:0010196, OMIM 277700.
Inborn genetic diseases. Identifiers: MedGen C0950123, MeSH D030342.

Allele frequency attached by ClinVar (database versions not stated): gnomAD exomes 0.00001.
gnomAD v4.1: 7 of 1,613,084 alleles (0.00043%); highest among the groups gnomAD compares: Non-Finnish European, 0.00059%; no homozygotes.

Submissions (2):

Ambry Genetics
Classification: Uncertain significance for Inborn genetic diseases. Last evaluated: 2025-08-01. Review status: criteria provided, single submitter. Criteria: Ambry Variant Classification Scheme 2023. Collection method: clinical testing. Allele origin: germline.

Labcorp Genetics (formerly Invitae), Labcorp
Classification: Uncertain significance for Werner syndrome. Last evaluated: 2024-05-07. Review status: criteria provided, single submitter. Criteria: Invitae Variant Classification Sherloc (09022015). Collection method: clinical testing. Allele origin: germline.
Comment: This sequence change replaces aspartic acid, which is acidic and polar, with glycine, which is neutral and non-polar, at codon 460 of the WRN protein (p.Asp460Gly). The frequency data for this variant in the population databases is considered unreliable, as metrics indicate poor data quality at this position in the gnomAD database. This variant has not been reported in the literature in individuals affected with WRN-related conditions. ClinVar contains an entry for this variant (Variation ID: 528115). An algorithm developed to predict the effect of missense changes on protein structure and function (PolyPhen-2) suggests that this variant is likely to be tolerated. RNA analysis performed to evaluate the impact of this missense change on mRNA splicing indicates it does not significantly alter splicing (Invitae). In summary, the available evidence is currently insufficient to determine the role of this variant in disease. Therefore, it has been classified as a Variant of Uncertain Significance.

NM_000553.6(WRN):c.1379A>G (p.Asp460Gly)

Gene: WRN (WRN RecQ like helicase; plus strand). Cytogenetic location: 8p12.
Variant type: single nucleotide variant.
Coding change: c.1379A>G on transcript NM_000553.6 (MANE Select); coding-DNA position 1379, A replaced by G.
Protein change: p.Asp460Gly; replaces aspartic acid 460 with glycine.
Molecular consequence: missense variant.
Genome position (GRCh38, 1-based): chr8:31,085,194, A>G. VCF-style: chr8-31085194-A-G. GRCh37 (hg19) VCF-style: chr8-30942710-A-G.
Other names: short protein forms D460G.
Identifiers: ClinVar variation 528115 (VCV000528115.9), dbSNP rs1315461183, ClinGen allele CA370923746.